The following is an entry in ClinVar:

NM_000277.3(PAH):c.609C>G (p.Cys203Trp)

Gene: PAH (phenylalanine hydroxylase; minus strand). Cytogenetic location: 12q23.2.
Variant type: single nucleotide variant.
Coding change: c.609C>G on transcript NM_000277.3 (MANE Select); coding-DNA position 609, C replaced by G.
Protein change: p.Cys203Trp; replaces cysteine 203 with tryptophan.
Molecular consequence: missense variant.
Genome position (GRCh38, 1-based): chr12:102,855,233, G>C on the plus strand (C>G on the coding strand, the complement: PAH is on the minus strand). VCF-style: chr12-102855233-G-C. GRCh37 (hg19) VCF-style: chr12-103249011-G-C.
Other names: c.609C>G, p.Cys203Trp (NM_001354304.2); short protein forms C203W.
Identifiers: ClinVar variation 102755 (VCV000102755.3), dbSNP rs1801147, ClinGen allele CA229647.
Genomic context (GRCh38, chr12:102,855,233, plus strand): 5'-GTTATCTTCATGGAAGCCACAGTACTTTTCAAGAAGTGGAAAAATGTGATTGTACTCATA[G>C]CAAGCATGGGTTTTATACAAGGACTTCAGAGTCTTGAACACTGTGCCCCATGTTTTCTTT-3'
Protein context (NP_000268.1, residues 193-213): TLKSLYKTHA[Cys203Trp]YEYNHIFPLL

ClinVar aggregate classification (germline): Likely pathogenic. Review status: reviewed by expert panel (3 of 4 stars). 3 submissions from 3 submitters: Likely pathogenic (1). 2 of the submissions do not count toward it. Last evaluated 2020-02-22.

Conditions:
Phenylketonuria (PKU). Also called: Phenylketonuria (PKU); FOLLING DISEASE; OLIGOPHRENIA PHENYLPYRUVICA; Phenylketonurias. Identifiers: Orphanet 716, MedGen C0031485, MONDO:0009861, OMIM 261600. Disease mechanism: loss of function.

Submissions (3):

ClinGen PAH Variant Curation Expert Panel
Classification: Likely pathogenic for Phenylketonuria. Last evaluated: 2020-02-22. Review status: reviewed by expert panel. Criteria: ClinGen PAH ACMG Specifications v1. Collection method: curation. Allele origin: germline. Inheritance: Autosomal recessive inheritance.
Comment: The c.609C>G (p.Cys203Trp) variant in PAH has been reported in 1 individual with PKU (BH4 deficiency excluded) detected with pathogenic variant c.1315+1G>A (P 13 submitters) parental analysis not performed. (PMID: 23430918). This variant has extremely low frequency in 1000G (MAF=0.0004) and is absent from gnomAD. Computational evidence supports a deleterious effect. In summary, this variant meets criteria to be classified as likely pathogenic for PAH. PAH-specific ACMG/AMP criteria applied: PP4_Moderate, PM2, PM3_supporting, PP3.

Myriad Genetics, Inc.
Classification: Likely pathogenic for Phenylketonuria. Last evaluated: 2026-05-14. Review status: criteria provided, single submitter. Criteria: Myriad Autosomal Dominant, Autosomal Recessive and X-Linked Classification Criteria (2023). Collection method: clinical testing. Allele origin: unknown. Not counted in ClinVar's aggregate classification.
Comment: NM_000277.1(PAH):c.609C>G(C203W) is a missense variant classified as likely pathogenic in the context of phenylalanine hydroxylase deficiency. C203W has been observed in a case with relevant disease (PMID: 23430918). Relevant functional assessments of this variant are not available in the literature. Internal structural analysis of the variant is supportive of pathogenicity. C203W has not been observed in referenced population frequency databases. In summary, NM_000277.1(PAH):c.609C>G(C203W) is a missense variant that has internal structural support for pathogenicity and has been observed more frequently in cases with the relevant disease than in healthy populations. Please note: this variant was assessed in the context of healthy population screening.

DeBelle Laboratory for Biochemical Genetics, MUHC/MCH RESEARCH INSTITUTE
No classification provided. Review status: no classification provided. Collection method: not provided. Allele origin: not provided. Not counted in ClinVar's aggregate classification.

Literature cited by the submitters: PubMed 23430918 (cited by Myriad Genetics, Inc.).